The following is an entry in ClinVar:

ClinVar aggregate classification (germline): Likely benign. Review status: criteria provided, single submitter (1 of 4 stars). 2 submissions from 2 submitters: Likely benign (1). 1 of the submissions does not count toward it. Last evaluated 2025-05-20.

Conditions:
ALPK1-related disorder. Also called: ALPK1-related condition.

Allele frequency attached by ClinVar (database versions not stated): 1000 Genomes Project 30x 0.00031; 1000 Genomes Project 0.00040.
gnomAD v4.1: 469 of 1,611,886 alleles (0.029%); highest among the groups gnomAD compares: East Asian, 1%; 6 homozygotes.

Submissions (2):

Labcorp Genetics (formerly Invitae), Labcorp
Classification: Likely benign. Last evaluated: 2025-05-20. Review status: criteria provided, single submitter. Criteria: Invitae Variant Classification Sherloc (09022015). Collection method: clinical testing. Allele origin: germline.

PreventionGenetics, part of Exact Sciences
Classification: Likely benign for ALPK1-related condition. Last evaluated: 2024-01-28. Review status: no assertion criteria provided. Collection method: clinical testing. Allele origin: germline. Not counted in ClinVar's aggregate classification.
Comment: This variant is classified as likely benign based on ACMG/AMP sequence variant interpretation guidelines (Richards et al. 2015 PMID: 25741868, with internal and published modifications).

NM_025144.4(ALPK1):c.3025C>G (p.Arg1009Gly)

Gene: ALPK1 (alpha kinase 1; plus strand). Cytogenetic location: 4q25.
Variant type: single nucleotide variant.
Coding change: c.3025C>G on transcript NM_025144.4 (MANE Select); coding-DNA position 3025, C replaced by G.
Protein change: p.Arg1009Gly; replaces arginine 1009 with glycine.
Molecular consequence: missense variant.
Genome position (GRCh38, 1-based): chr4:112,432,572, C>G. VCF-style: chr4-112432572-C-G. GRCh37 (hg19) VCF-style: chr4-113353728-C-G.
Other names: c.3025C>G, p.Arg1009Gly (NM_001102406.2); c.2791C>G, p.Arg931Gly (NM_001253884.2); c.3025C>G (NM_001102406.1); short protein forms R931G, R1009G.
Identifiers: ClinVar variation 2070104 (VCV002070104.6), dbSNP rs180741351, ClinGen allele CA3047043.